The following is an entry in ClinVar:

NM_003000.3(SDHB):c.741G>C (p.Met247Ile)

Gene: SDHB (succinate dehydrogenase complex iron sulfur subunit B; minus strand). Cytogenetic location: 1p36.13.
Variant type: single nucleotide variant.
Coding change: c.741G>C on transcript NM_003000.3 (MANE Select); coding-DNA position 741, G replaced by C.
Protein change: p.Met247Ile; replaces methionine 247 with isoleucine.
Molecular consequence: missense variant.
Genome position (GRCh38, 1-based): chr1:17,022,632, C>G on the plus strand (G>C on the coding strand, the complement: SDHB is on the minus strand). VCF-style: chr1-17022632-C-G. GRCh37 (hg19) VCF-style: chr1-17349127-C-G.
Other names: short protein forms M247I.
Identifiers: ClinVar variation 1472223 (VCV001472223.8), dbSNP rs2077968110, ClinGen allele CA338270078.
Genomic context (GRCh38, chr1:17,022,632, plus strand): 5'-TCTGAGGCAGAGCTGAGGGTCACCAGCCCCACGTACCTTAGGACAGGTCCTTGTGCAGTT[C>G]ATGATGGTGTGGCAGCGGTATAGAGAGAATGGGTCCTGCAGCTTGGCCAGGCGCTCCTCT-3'
Protein context (NP_002991.2, residues 237-257): PFSLYRCHTI[Met247Ile]NCTRTCPKGL

ClinVar aggregate classification (germline): Uncertain significance (1 of 4 stars; one submission).

Conditions:
Gastrointestinal stromal tumor. Also called: Gastrointestinal stroma tumor; Gastrointestinal stromal tumor, somatic. Identifiers: Orphanet 44890, MedGen C0238198, MeSH D046152, MONDO:0011719, OMIM 606764, HP:0100723.
Pheochromocytoma/paraganglioma syndrome 4. Also called: CAROTID BODY TUMORS AND MULTIPLE EXTRAADRENAL PHEOCHROMOCYTOMAS; SDHB-Related Hereditary Paraganglioma-Pheochromocytoma Syndrome; PARAGANGLIOMA, FAMILIAL MALIGNANT; PARAGANGLIOMAS, HEREDITARY EXTRAADRENAL; PHEOCHROMOCYTOMA, FAMILIAL EXTRAADRENAL; Paragangliomas 4. Identifiers: Orphanet 29072, MedGen C1861848, MONDO:0007273, OMIM 115310.
Pheochromocytoma. Also called: MAX-Related Hereditary Paraganglioma-Pheochromocytoma Syndrome. Identifiers: Orphanet 29072, MedGen C0031511, MONDO:0008233, OMIM 171300, HP:0002666.

Submission:

Labcorp Genetics (formerly Invitae), Labcorp
Classification: Uncertain significance for Gastrointestinal stromal tumor; Pheochromocytoma/paraganglioma syndrome 4; Pheochromocytoma. Last evaluated: 2023-04-06. Review status: criteria provided, single submitter. Criteria: Invitae Variant Classification Sherloc (09022015). Collection method: clinical testing. Allele origin: germline.
Comment: This sequence change replaces methionine, which is neutral and non-polar, with isoleucine, which is neutral and non-polar, at codon 247 of the SDHB protein (p.Met247Ile). This variant is not present in population databases (gnomAD no frequency). This variant has not been reported in the literature in individuals affected with SDHB-related conditions. ClinVar contains an entry for this variant (Variation ID: 1472223). Advanced modeling of protein sequence and biophysical properties (such as structural, functional, and spatial information, amino acid conservation, physicochemical variation, residue mobility, and thermodynamic stability) performed at Invitae indicates that this missense variant is expected to disrupt SDHB protein function. In summary, the available evidence is currently insufficient to determine the role of this variant in disease. Therefore, it has been classified as a Variant of Uncertain Significance.